The following is an entry in ClinVar:

ClinVar aggregate classification (germline): Pathogenic (1 of 4 stars; one submission).

Conditions:
Familial cancer of breast. Also called: BREAST CANCER, FAMILIAL; hereditary breast carcinoma; Hereditary breast cancer. Identifiers: Orphanet 227535, MedGen C0346153, MONDO:0016419, OMIM 114480. Disease mechanism: loss of function.

Submission:

Labcorp Genetics (formerly Invitae), Labcorp
Classification: Pathogenic for Familial cancer of breast. Last evaluated: 2023-08-30. Review status: criteria provided, single submitter. Criteria: Invitae Variant Classification Sherloc (09022015). Collection method: clinical testing. Allele origin: germline.
Comment: For these reasons, this variant has been classified as Pathogenic. ClinVar contains an entry for this variant (Variation ID: 640518). This variant has not been reported in the literature in individuals affected with PALB2-related conditions. This variant is not present in population databases (gnomAD no frequency). This sequence change creates a premature translational stop signal (p.His593Serfs*2) in the PALB2 gene. It is expected to result in an absent or disrupted protein product. Loss-of-function variants in PALB2 are known to be pathogenic (PMID: 17200668, 17200671, 17200672, 24136930, 25099575).

Literature cited by the submitters: PubMed 17200668; PubMed 17200671; PubMed 17200672; PubMed 24136930; PubMed 25099575.

NM_024675.4(PALB2):c.1776dup (p.His593fs)

Gene: PALB2 (partner and localizer of BRCA2; minus strand). Cytogenetic location: 16p12.2.
Variant type: Duplication.
Coding change: c.1776dup on transcript NM_024675.4 (MANE Select); coding-DNA position 1776, one base duplicated (T; older notation c.1776dupT).
Protein change: p.His593fs; shifts the reading frame from histidine 593.
Molecular consequence: frameshift variant.
Genome position (GRCh38, 1-based): chr16:23,630,378, A duplicated on the plus strand (T on the coding strand, the reverse complement: PALB2 is on the minus strand); the first of 3 consecutive A bases (chr16:23,630,378-23,630,380); duplicating any one gives the same sequence. VCF-style (leftmost placement, unchanged base first): chr16-23630377-G-GA. GRCh37 (hg19) VCF-style: chr16-23641698-G-GA.
Other names: c.1776dupT (NM_024675.3); short protein forms H593fs.
Identifiers: ClinVar variation 640518 (VCV000640518.7), dbSNP rs1597091230, ClinGen allele CA915949194.
Genomic context (GRCh38, chr16:23,630,377, plus strand): 5'-GAAAGTCTGTGATACTGAGAAAAGACAGTAGTTGCTTTAAACTCAGCATTCCATCCCTAT[G>GA]AAATGGAGCCGTGAAAGCATCATCATCCAAGGATAAATAAGCACTATTACTCCAAGAAAG-3'